The following is an entry in ClinVar:

NM_014363.6(SACS):c.9159G>T (p.Glu3053Asp)

Gene: SACS (sacsin molecular chaperone; minus strand). Cytogenetic location: 13q12.12.
Variant type: single nucleotide variant.
Coding change: c.9159G>T on transcript NM_014363.6 (MANE Select); coding-DNA position 9159, G replaced by T.
Protein change: p.Glu3053Asp; replaces glutamic acid 3053 with aspartic acid.
Molecular consequence: missense variant.
Genome position (GRCh38, 1-based): chr13:23,334,717, C>A on the plus strand (G>T on the coding strand, the complement: SACS is on the minus strand). VCF-style: chr13-23334717-C-A. GRCh37 (hg19) VCF-style: chr13-23908856-C-A.
Other names: c.8718G>T, p.Glu2906Asp (NM_001278055.2); c.9186G>T, p.Glu3062Asp (NM_001437336.1); short protein forms E3062D, E2906D, E3053D.
Identifiers: ClinVar variation 5003304 (VCV005003304.1).

ClinVar aggregate classification (germline): Uncertain significance (1 of 4 stars; one submission).

Conditions:
Charlevoix-Saguenay spastic ataxia (SACS). Also called: SPASTIC ATAXIA 6, AUTOSOMAL RECESSIVE; AUTOSOMAL RECESSIVE SPASTIC ATAXIA OF CHARLEVOIX-SAGUENAY; Spastic ataxia of Charlevoix-Saguenay. Identifiers: Orphanet 98, MedGen C1849140, MONDO:0010041, OMIM 270550.

Submission:

Myriad Genetics, Inc.
Classification: Uncertain significance for Charlevoix-Saguenay spastic ataxia. Last evaluated: 2026-02-10. Review status: criteria provided, single submitter. Criteria: Myriad Autosomal Dominant, Autosomal Recessive and X-Linked Classification Criteria (2023). Collection method: clinical testing. Allele origin: unknown.
Comment: NM_014363.4(SACS):c.9159G>T(E3053D) is a missense variant classified as a variant of uncertain significance in the context of autosomal recessive spastic ataxia of Charlevoix-Saguenay. E3053D has not been observed in cases with relevant disease. Relevant functional assessments of this variant are not available in the literature. E3053D has not been observed in referenced population frequency databases. In summary, there is insufficient evidence to classify NM_014363.4(SACS):c.9159G>T(E3053D) as pathogenic or benign. Please note: this variant was assessed in the context of healthy population screening.